The following is an entry in ClinVar:

NM_032242.4(PLXNA1):c.2646C>T (p.Leu882=)

Gene: PLXNA1 (plexin A1; plus strand). Cytogenetic location: 3q21.3.
Variant type: single nucleotide variant.
Coding change: c.2646C>T on transcript NM_032242.4 (MANE Select); coding-DNA position 2646, C replaced by T.
Protein change: p.Leu882=; no amino-acid change (leucine 882 retained).
Molecular consequence: synonymous variant.
Genome position (GRCh38, 1-based): chr3:127,014,519, C>T. VCF-style: chr3-127014519-C-T. GRCh37 (hg19) VCF-style: chr3-126733362-C-T.
Identifiers: ClinVar variation 750971 (VCV000750971.9), dbSNP rs774535244, ClinGen allele CA2593716.
Genomic context (GRCh38, chr3:127,014,519, plus strand): 5'-CAGCCTCTGCCTCCCTCAGCTGTCCCCCGAGACGGGCCCGAGGCAGGGCGGCACGCGGCT[C>T]ACTATCACAGGCGAGAACCTGGGCCTGCGATTCGAAGACGTGCGTCTGGGCGTGCGCGTG-3'
Protein context (NP_115618.3, residues 872-892): ETGPRQGGTR[Leu882=]TITGENLGLR

ClinVar aggregate classification (germline): Benign. Review status: criteria provided, single submitter (1 of 4 stars). 2 submissions from 2 submitters: Benign (1). 1 of the submissions does not count toward it. Last evaluated 2024-03-02.

Conditions:
PLXNA1-related disorder. Also called: PLXNA1-related condition.

Allele frequency attached by ClinVar (database versions not stated): gnomAD 0.00006; TOPMed 0.00013; ExAC 0.00017; gnomAD exomes 0.00021.
gnomAD v4.1: 141 of 1,608,872 alleles (0.0088%); highest among the groups gnomAD compares: Non-Finnish European, 0.0012%; no homozygotes.

Submissions (2):

Labcorp Genetics (formerly Invitae), Labcorp
Classification: Benign. Last evaluated: 2024-03-02. Review status: criteria provided, single submitter. Criteria: Invitae Variant Classification Sherloc (09022015). Collection method: clinical testing. Allele origin: germline.

PreventionGenetics, part of Exact Sciences
Classification: Likely benign for PLXNA1-related condition. Last evaluated: 2021-11-17. Review status: no assertion criteria provided. Collection method: clinical testing. Allele origin: germline. Not counted in ClinVar's aggregate classification.
Comment: This variant is classified as likely benign based on ACMG/AMP sequence variant interpretation guidelines (Richards et al. 2015 PMID: 25741868, with internal and published modifications).